The following is an entry in ClinVar:

ClinVar aggregate classification (germline): Likely benign (3 of 4 stars; one submission).

Conditions:
Breast-ovarian cancer, familial, susceptibility to, 2 (BROVCA2). Also called: BRCA2 Hereditary Breast and Ovarian Cancer. Identifiers: Orphanet 145, MedGen C2675520, MONDO:0012933, OMIM 612555. Disease mechanism: loss of function.

Allele frequency attached by ClinVar (database versions not stated): gnomAD exomes below 0.00001; ExAC 0.00001.
gnomAD v4.1: 1 of 1,600,124 alleles (0.000062%); highest among the groups gnomAD compares: Non-Finnish European, 0.000085%; no homozygotes.

Submission:

Evidence-based Network for the Interpretation of Germline Mutant Alleles (ENIGMA)
Classification: Likely benign for Breast-ovarian cancer, familial, susceptibility to, 2. Last evaluated: 2017-06-29. Review status: reviewed by expert panel. Criteria: ENIGMA BRCA1/2 Classification Criteria (2017-06-29). Collection method: curation. Allele origin: germline.
Comment: Synonymous substitution variant, with low bioinformatic likelihood to result in a splicing aberration (Splicing prior probability 0.02).

NM_000059.4(BRCA2):c.2569C>T (p.Leu857=)

Gene: BRCA2 (BRCA2 DNA repair associated; plus strand). Cytogenetic location: 13q13.1.
Variant type: single nucleotide variant.
Coding change: c.2569C>T on transcript NM_000059.4 (MANE Select); coding-DNA position 2569, C replaced by T.
Protein change: p.Leu857=; no amino-acid change (leucine 857 retained).
Molecular consequence: synonymous variant.
Genome position (GRCh38, 1-based): chr13:32,336,924, C>T. VCF-style: chr13-32336924-C-T. GRCh37 (hg19) VCF-style: chr13-32911061-C-T.
Identifiers: ClinVar variation 427519 (VCV000427519.3), dbSNP rs767596766, ClinGen allele CA6940613.